The following is an entry in ClinVar:

ClinVar aggregate classification (germline): Likely pathogenic (1 of 4 stars; one submission).

Conditions:
Intellectual developmental disorder, autosomal dominant 72 (MRD72). Identifiers: Orphanet 652487, MedGen C5830612, MONDO:0957397, OMIM 620439.

Submission:

3billion
Classification: Likely pathogenic for Intellectual developmental disorder, autosomal dominant 72. Last evaluated: 2023-07-21. Review status: criteria provided, single submitter. Criteria: ACMG Guidelines, 2015. Collection method: clinical testing. Allele origin: germline. Affected: yes.
Comment: The variant is not observed in the gnomAD v2.1.1 dataset. Predicted Consequence/Location: Stop-gained (nonsense): predicted to result in a loss or disruption of normal protein function through nonsense-mediated decay (NMD) or protein truncation. Multiple pathogenic variants are reported downstream of the variant. Therefore, this variant is classified as Likely pathogenic according to the recommendation of ACMG/AMP guideline.

NM_016333.4(SRRM2):c.733C>T (p.Arg245Ter)

Gene: SRRM2 (serine/arginine repetitive matrix 2; plus strand). Cytogenetic location: 16p13.3.
Variant type: single nucleotide variant.
Coding change: c.733C>T on transcript NM_016333.4 (MANE Select); coding-DNA position 733, C replaced by T.
Protein change: p.Arg245Ter; replaces arginine 245 with a stop codon.
Molecular consequence: nonsense.
Genome position (GRCh38, 1-based): chr16:2,759,395, C>T. VCF-style: chr16-2759395-C-T. GRCh37 (hg19) VCF-style: chr16-2809396-C-T.
Other names: short protein forms R245*.
Identifiers: ClinVar variation 3775484 (VCV003775484.1).